The following is an entry in ClinVar:

ClinVar aggregate classification (germline): Pathogenic (1 of 4 stars; one submission).

Submission:

Labcorp Genetics (formerly Invitae), Labcorp
Classification: Pathogenic. Last evaluated: 2022-03-06. Review status: criteria provided, single submitter. Criteria: Invitae Variant Classification Sherloc (09022015). Collection method: clinical testing. Allele origin: germline.
Comment: This sequence change creates a premature translational stop signal (p.Thr412Glnfs*3) in the CDHR1 gene. It is expected to result in an absent or disrupted protein product. Loss-of-function variants in CDHR1 are known to be pathogenic (PMID: 23044944, 23591405, 26103963, 26261414). This variant is not present in population databases (gnomAD no frequency). This variant has not been reported in the literature in individuals affected with CDHR1-related conditions. For these reasons, this variant has been classified as Pathogenic.

Literature cited by the submitters: PubMed 23044944; PubMed 23591405; PubMed 26103963; PubMed 26261414.

NM_033100.4(CDHR1):c.1233del (p.Thr412fs)

Gene: CDHR1 (cadherin related family member 1; plus strand). Cytogenetic location: 10q23.1.
Variant type: Deletion.
Coding change: c.1233del on transcript NM_033100.4 (MANE Select); coding-DNA position 1233, one base deleted (G; older notation c.1233delG).
Protein change: p.Thr412fs; shifts the reading frame from threonine 412.
Molecular consequence: frameshift variant.
Genome position (GRCh38, 1-based): chr10:84,208,794, G deleted. VCF-style (leftmost placement, unchanged base first): chr10-84208793-AG-A. GRCh37 (hg19) VCF-style: chr10-85968549-AG-A.
Other names: c.1233del, p.Thr412fs (NM_001171971.3); short protein forms T412fs.
Identifiers: ClinVar variation 2107487 (VCV002107487.4), dbSNP rs2492522751, ClinGen allele CA2580082332.